The following is an entry in ClinVar:

ClinVar aggregate classification (germline): Conflicting classifications of pathogenicity. Review status: criteria provided, conflicting classifications (1 of 4 stars). 2 submissions from 2 submitters: Uncertain significance (1); Likely benign (1). Last evaluated 2022-10-01.

Conditions:
Angelman syndrome (AS). Also called: HAPPY PUPPET SYNDROME. Identifiers: Orphanet 72, MedGen C0162635, MONDO:0007113, OMIM 105830. Disease mechanism: loss of function. Inheritance: AS is caused by disruption of maternally imprinted UBE3A located within the 15q11.2-q13 Angelman syndrome/Prader-Willi syndrome (AS/PWS) region., imprinting disorder.

Submissions (2):

CeGaT Center for Human Genetics Tuebingen
Classification: Uncertain significance. Last evaluated: 2022-10-01. Review status: criteria provided, single submitter. Criteria: CeGaT Center For Human Genetics Tuebingen Variant Classification Criteria Version 2. Collection method: clinical testing. Allele origin: germline. Affected: yes. Observed: 1 variant allele.
Comment: UBE3A: PM2:Supporting, BP4

Labcorp Genetics (formerly Invitae), Labcorp
Classification: Likely benign for Angelman syndrome. Last evaluated: 2021-12-18. Review status: criteria provided, single submitter. Criteria: Invitae Variant Classification Sherloc (09022015). Collection method: clinical testing. Allele origin: germline.

NM_130839.5(UBE3A):c.2586C>T (p.Ala862=)

Genes: SNHG14 (small nucleolar RNA host gene 14; plus strand), UBE3A (ubiquitin protein ligase E3A; minus strand). Cytogenetic location: 15q11.2.
Variant type: single nucleotide variant.
Coding change: c.2586C>T on transcript NM_130839.5 (MANE Select); coding-DNA position 2586, C replaced by T.
Protein change: p.Ala862=; no amino-acid change (alanine 862 retained).
Molecular consequence: synonymous variant. On other transcripts: non-coding transcript variant (1).
Genome position (GRCh38, 1-based): chr15:25,339,170, G>A on the plus strand (C>T on the coding strand, the complement: UBE3A is on the minus strand). VCF-style: chr15-25339170-G-A. GRCh37 (hg19) VCF-style: chr15-25584317-G-A.
Other names: c.2526C>T, p.Ala842= (NM_001354541.2, NM_001354542.2, NM_001354543.2 and 14 more transcripts); c.2430C>T, p.Ala810= (NM_001354545.2); c.2409C>T, p.Ala803= (NM_001354546.2); c.2370C>T, p.Ala790= (NM_001354547.2, NM_001354548.2); c.2361C>T, p.Ala787= (NM_001354549.2); c.1335C>T, p.Ala445= (NM_001354550.2); c.1275C>T, p.Ala425= (NM_001354551.2); c.2595C>T, p.Ala865= (NM_000462.5); and 1 more.
Identifiers: ClinVar variation 2046662 (VCV002046662.28), dbSNP rs2552181678, ClinGen allele CA488871580.